The following is an entry in ClinVar:

ClinVar aggregate classification (germline): Uncertain significance (1 of 4 stars; one submission).

Submission:

Labcorp Genetics (formerly Invitae), Labcorp
Classification: Uncertain significance. Last evaluated: 2024-01-25. Review status: criteria provided, single submitter. Criteria: Invitae Variant Classification Sherloc (09022015). Collection method: clinical testing. Allele origin: germline.
Comment: This sequence change creates a premature translational stop signal (p.Gly386Trpfs*3) in the MYLK3 gene. It is expected to result in an absent or disrupted protein product. However, the current clinical and genetic evidence is not sufficient to establish whether loss-of-function variants in MYLK3 cause disease. This variant is not present in population databases (gnomAD no frequency). This variant has not been reported in the literature in individuals affected with MYLK3-related conditions. In summary, the available evidence is currently insufficient to determine the role of this variant in disease. Therefore, it has been classified as a Variant of Uncertain Significance.

NM_182493.3(MYLK3):c.1154dup (p.Gly386fs)

Gene: MYLK3 (myosin light chain kinase 3; minus strand). Cytogenetic location: 16q11.2.
Variant type: Duplication.
Coding change: c.1154dup on transcript NM_182493.3 (MANE Select); coding-DNA position 1154, one base duplicated (C; older notation c.1154dupC).
Protein change: p.Gly386fs; shifts the reading frame from glycine 386.
Molecular consequence: frameshift variant.
Genome position (GRCh38, 1-based): chr16:46,732,516, G duplicated on the plus strand (C on the coding strand, the reverse complement: MYLK3 is on the minus strand); the first of 4 consecutive G bases (chr16:46,732,516-46,732,519); duplicating any one gives the same sequence. VCF-style (leftmost placement, unchanged base first): chr16-46732515-A-AG. GRCh37 (hg19) VCF-style: chr16-46766427-A-AG.
Other names: c.131dup, p.Gly45fs (NM_001308301.1); short protein forms G386fs, G45fs.
Identifiers: ClinVar variation 2760674 (VCV002760674.3), dbSNP rs2548906044, ClinGen allele CA2697555791.
Genomic context (GRCh38, chr16:46,732,515, plus strand): 5'-CTCCTGCAGCGGGGAGAGCTCTCTGGCTCCTTCAGGGGTCTGTTCTCCGGGCTCAGTCCC[A>AG]GGGGCTTGGAGGCAGCGCCCGGTCCCAGGTGGGCCCTGCTTGCCTGGCTGGGCAGCTGCT-3'